The following is an entry in ClinVar:

ClinVar aggregate classification (germline): Uncertain significance (1 of 4 stars; one submission).

Allele frequency attached by ClinVar (database versions not stated): gnomAD exomes below 0.00001; gnomAD 0.00001.
gnomAD v4.1: 5 of 1,232,884 alleles (0.00041%); highest among the groups gnomAD compares: South Asian, 0.021%; no homozygotes.

Submission:

CeGaT Center for Human Genetics Tuebingen
Classification: Uncertain significance. Last evaluated: 2023-08-01. Review status: criteria provided, single submitter. Criteria: CeGaT Center For Human Genetics Tuebingen Variant Classification Criteria Version 2. Collection method: clinical testing. Allele origin: germline. Affected: yes. Observed: 1 variant allele.
Comment: COX5A: PM2

NM_004255.4(COX5A):c.56C>G (p.Pro19Arg)

Genes: COX5A (cytochrome c oxidase subunit 5A; minus strand), LOC130057573 (ATAC-STARR-seq lymphoblastoid silent region 6661; plus strand). Cytogenetic location: 15q24.2.
Variant type: single nucleotide variant.
Coding change: c.56C>G on transcript NM_004255.4 (MANE Select); coding-DNA position 56, C replaced by G.
Protein change: p.Pro19Arg; replaces proline 19 with arginine.
Molecular consequence: missense variant.
Genome position (GRCh38, 1-based): chr15:74,937,959, G>C on the plus strand (C>G on the coding strand, the complement: COX5A is on the minus strand). VCF-style: chr15-74937959-G-C. GRCh37 (hg19) VCF-style: chr15-75230300-G-C.
Other names: short protein forms P19R.
Identifiers: ClinVar variation 2578745 (VCV002578745.25), dbSNP rs2065399895, ClinGen allele CA393193596.